The following is an entry in ClinVar:

NM_014780.5(CUL7):c.3356-2A>C

Gene: CUL7 (cullin 7; minus strand). Cytogenetic location: 6p21.1.
Variant type: single nucleotide variant.
Coding change: c.3356-2A>C on transcript NM_014780.5 (MANE Select); the canonical splice acceptor site of the intron before coding-DNA position 3356, A replaced by C.
Molecular consequence: splice acceptor variant. On other transcripts: intron variant (1).
Genome position (GRCh38, 1-based): chr6:43,043,182, T>G on the plus strand (A>C on the coding strand, the complement: CUL7 is on the minus strand). VCF-style: chr6-43043182-T-G. GRCh37 (hg19) VCF-style: chr6-43010920-T-G.
Other names: c.3452-2A>C (NM_001168370.2, NM_001374872.1); c.3356-5A>C (NM_001374874.1); c.3356-2A>C (NM_001374873.1).
Identifiers: ClinVar variation 1476431 (VCV001476431.12), dbSNP rs201137899, ClinGen allele CA3813510.

ClinVar aggregate classification (germline): Likely pathogenic. Review status: criteria provided, multiple submitters, no conflicts (2 of 4 stars). 3 submissions from 3 submitters: Likely pathogenic (3). Last evaluated 2026-02-13.

Conditions:
3M syndrome 1. Also called: 3-M Syndrome, CUL7-Related. Identifiers: Orphanet 2616, MedGen C2678312, MONDO:0010117, OMIM 273750.

Allele frequency attached by ClinVar (database versions not stated): gnomAD exomes 0.00001 and 0.00003; ExAC 0.00004; TOPMed 0.00007; ESP Exome Variant Server 0.00008; gnomAD 0.00009; 1000 Genomes Project 30x 0.00016; 1000 Genomes Project 0.00020.

Submissions (3):

OLLIN Analises Genomicas, OLLIN
Classification: Likely pathogenic for 3M syndrome 1. Last evaluated: 2026-02-13. Review status: criteria provided, single submitter. Criteria: ACMG Guidelines 2015 PMID 25741868. Collection method: clinical testing. Allele origin: germline. Observed: 1 variant allele.
Comment: PVS1, PM2_P

Labcorp Genetics (formerly Invitae), Labcorp
Classification: Likely pathogenic. Last evaluated: 2026-01-18. Review status: criteria provided, single submitter. Criteria: Invitae Variant Classification Sherloc (09022015). Collection method: clinical testing. Allele origin: germline.
Comment: This sequence change affects an acceptor splice site in intron 17 of the CUL7 gene. It is expected to disrupt RNA splicing. Variants that disrupt the donor or acceptor splice site typically lead to a loss of protein function (PMID: 16199547), and loss-of-function variants in CUL7 are known to be pathogenic (PMID: 16142236, 17675530, 19225462). This variant is present in population databases (rs201137899, gnomAD 0.04%). This variant has not been reported in the literature in individuals affected with CUL7-related conditions. ClinVar contains an entry for this variant (Variation ID: 1476431). Algorithms developed to predict the effect of sequence changes on RNA splicing suggest that this variant may disrupt the consensus splice site. In summary, the currently available evidence indicates that the variant is pathogenic, but additional data are needed to prove that conclusively. Therefore, this variant has been classified as Likely Pathogenic.

Fulgent Genetics
Classification: Likely pathogenic for 3M syndrome 1. Last evaluated: 2024-03-30. Review status: criteria provided, single submitter. Criteria: ACMG Guidelines, 2015. Collection method: clinical testing. Allele origin: germline.

Literature cited by the submitters: PubMed 16199547 (cited by Labcorp Genetics (formerly Invitae), Labcorp); PubMed 16142236 (cited by Labcorp Genetics (formerly Invitae), Labcorp); PubMed 17675530 (cited by Labcorp Genetics (formerly Invitae), Labcorp); PubMed 19225462 (cited by Labcorp Genetics (formerly Invitae), Labcorp).